The following is an entry in ClinVar:

ClinVar aggregate classification (germline): Uncertain significance. Review status: criteria provided, multiple submitters, no conflicts (2 of 4 stars). 3 submissions from 3 submitters: Uncertain significance (3). Last evaluated 2025-05-27.

Conditions:
Hereditary cancer-predisposing syndrome. Also called: Hereditary neoplastic syndrome; Hereditary Cancer Syndrome; Tumor predisposition; Neoplastic Syndromes, Hereditary. Identifiers: Orphanet 140162, MedGen C0027672, MeSH D009386, MONDO:0015356.
Tumor predisposition syndrome 3 (TPDS3). Also called: LONG TELOMERE SYNDROME, POT1-RELATED; POT1 Tumor Predisposition; Glioma susceptibility 9; Melanoma, cutaneous malignant, susceptibility to, 10. Identifiers: Orphanet 618, MedGen C4014476, MONDO:0014368, OMIM 615848.

Allele frequency attached by ClinVar (database versions not stated): gnomAD exomes below 0.00001.
gnomAD v4.1: 1 of 1,600,102 alleles (0.000062%); highest among the groups gnomAD compares: African/African-American, 0.0013%; no homozygotes.

Submissions (3):

Ambry Genetics
Classification: Uncertain significance for Hereditary cancer-predisposing syndrome. Last evaluated: 2025-05-27. Review status: criteria provided, single submitter. Criteria: Ambry Variant Classification Scheme 2023. Collection method: clinical testing. Allele origin: germline.
Comment: The p.V378L variant (also known as c.1132G>C), located in coding exon 9 of the POT1 gene, results from a G to C substitution at nucleotide position 1132. The valine at codon 378 is replaced by leucine, an amino acid with highly similar properties. This amino acid position is highly conserved in available vertebrate species. In addition, this alteration is predicted to be tolerated by in silico analysis. Based on the available evidence, the clinical significance of this variant remains unclear.

Labcorp Genetics (formerly Invitae), Labcorp
Classification: Uncertain significance for Tumor predisposition syndrome 3. Last evaluated: 2025-01-26. Review status: criteria provided, single submitter. Criteria: Invitae Variant Classification Sherloc (09022015). Collection method: clinical testing. Allele origin: germline.
Comment: This sequence change replaces valine, which is neutral and non-polar, with leucine, which is neutral and non-polar, at codon 378 of the POT1 protein (p.Val378Leu). This variant is present in population databases (no rsID available, gnomAD 0.007%). This variant has not been reported in the literature in individuals affected with POT1-related conditions. ClinVar contains an entry for this variant (Variation ID: 1208471). Invitae Evidence Modeling of protein sequence and biophysical properties (such as structural, functional, and spatial information, amino acid conservation, physicochemical variation, residue mobility, and thermodynamic stability) indicates that this missense variant is not expected to disrupt POT1 protein function with a negative predictive value of 80%. In summary, the available evidence is currently insufficient to determine the role of this variant in disease. Therefore, it has been classified as a Variant of Uncertain Significance.

GeneDx
Classification: Uncertain significance. Last evaluated: 2020-11-09. Review status: criteria provided, single submitter. Criteria: GeneDx Variant Classification Process June 2021. Collection method: clinical testing. Allele origin: germline. Affected: yes.
Comment: Has not been previously published as pathogenic or benign to our knowledge; In silico analysis supports that this missense variant does not alter protein structure/function; Not observed at a significant frequency in large population cohorts (Lek 2016)

NM_015450.3(POT1):c.1132G>C (p.Val378Leu)

Gene: POT1 (protection of telomeres 1; minus strand). Cytogenetic location: 7q31.33.
Variant type: single nucleotide variant.
Coding change: c.1132G>C on transcript NM_015450.3 (MANE Select); coding-DNA position 1132, G replaced by C.
Protein change: p.Val378Leu; replaces valine 378 with leucine.
Molecular consequence: missense variant. On other transcripts: non-coding transcript variant (3).
Genome position (GRCh38, 1-based): chr7:124,842,838, C>G on the plus strand (G>C on the coding strand, the complement: POT1 is on the minus strand). VCF-style: chr7-124842838-C-G. GRCh37 (hg19) VCF-style: chr7-124482892-C-G.
Other names: c.739G>C, p.Val247Leu (NM_001042594.2); short protein forms V247L, V378L.
Identifiers: ClinVar variation 1208471 (VCV001208471.11), dbSNP rs1245805221, ClinGen allele CA369068202.